The following is an entry in ClinVar:

NM_002734.5(PRKAR1A):c.376G>T (p.Ala126Ser)

Gene: PRKAR1A (protein kinase cAMP-dependent type I regulatory subunit alpha; plus strand). Cytogenetic location: 17q24.2.
Variant type: single nucleotide variant.
Coding change: c.376G>T on transcript NM_002734.5 (MANE Select); coding-DNA position 376, G replaced by T.
Protein change: p.Ala126Ser; replaces alanine 126 with serine.
Molecular consequence: missense variant.
Genome position (GRCh38, 1-based): chr17:68,523,752, G>T. VCF-style: chr17-68523752-G-T. GRCh37 (hg19) VCF-style: chr17-66519893-G-T.
Other names: c.376G>T, p.Ala126Ser (NM_001276289.2, NM_001276290.1, NM_001278433.2 and 4 more transcripts); short protein forms A126S.
Identifiers: ClinVar variation 2562681 (VCV002562681.2), dbSNP rs2143288579, ClinGen allele CA400752606.

ClinVar aggregate classification (germline): Uncertain significance (1 of 4 stars; one submission).

Conditions:
Hereditary cancer-predisposing syndrome. Also called: Neoplastic Syndromes, Hereditary; Hereditary Cancer Syndrome; Hereditary neoplastic syndrome; Tumor predisposition. Identifiers: Orphanet 140162, MedGen C0027672, MeSH D009386, MONDO:0015356.

Submission:

Ambry Genetics
Classification: Uncertain significance for Hereditary cancer-predisposing syndrome. Last evaluated: 2023-03-31. Review status: criteria provided, single submitter. Criteria: Ambry Variant Classification Scheme 2023. Collection method: clinical testing. Allele origin: germline.
Comment: The p.A126S variant (also known as c.376G>T), located in coding exon 3 of the PRKAR1A gene, results from a G to T substitution at nucleotide position 376. The alanine at codon 126 is replaced by serine, an amino acid with similar properties. This amino acid position is conserved. In addition, the in silico prediction for this alteration is inconclusive. Since supporting evidence is limited at this time, the clinical significance of this alteration remains unclear.